The following is an entry in ClinVar:

NM_003672.4(CDC14A):c.1701C>G (p.Pro567=)

Gene: CDC14A (cell division cycle 14A; plus strand). Cytogenetic location: 1p21.2.
Variant type: single nucleotide variant.
Coding change: c.1701C>G on transcript NM_003672.4 (MANE Select); coding-DNA position 1701, C replaced by G.
Protein change: p.Pro567=; no amino-acid change (proline 567 retained).
Molecular consequence: synonymous variant.
Genome position (GRCh38, 1-based): chr1:100,499,208, C>G. VCF-style: chr1-100499208-C-G. GRCh37 (hg19) VCF-style: chr1-100964764-C-G.
Other names: c.1701C>G, p.Pro567= (NM_001319210.2, NM_033312.3); c.1527C>G, p.Pro509= (NM_001319211.2); c.822C>G, p.Pro274= (NM_001319212.2).
Identifiers: ClinVar variation 1640416 (VCV001640416.31), dbSNP rs779179736, ClinGen allele CA970959.
Genomic context (GRCh38, chr1:100,499,208, plus strand): 5'-GAACAGCCCCCCAGGCCCCCACAGCGCCAAGACAGAGGAGCACACCACCATCCTCCGACC[C>G]TCCTACACCGGGCTTTCTTCTTCTTCAGCGAGATTCCTGAGCCGTTCTATCCCTGTAAGT-3'
Protein context (NP_003663.2, residues 557-577): KTEEHTTILR[Pro567=]SYTGLSSSSA

ClinVar aggregate classification (germline): Likely benign. Review status: criteria provided, multiple submitters, no conflicts (2 of 4 stars). 2 submissions from 2 submitters: Likely benign (2). Last evaluated 2023-04-11.

Allele frequency attached by ClinVar (database versions not stated): ExAC 0.00003; gnomAD 0.00003 and 0.00004; TOPMed 0.00003.
gnomAD v4.1: 26 of 1,614,094 alleles (0.0016%); highest among the groups gnomAD compares: Non-Finnish European, 0.002%; no homozygotes.

Submissions (2):

Labcorp Genetics (formerly Invitae), Labcorp
Classification: Likely benign. Last evaluated: 2023-04-11. Review status: criteria provided, single submitter. Criteria: Invitae Variant Classification Sherloc (09022015). Collection method: clinical testing. Allele origin: germline.

CeGaT Center for Human Genetics Tuebingen
Classification: Likely benign. Last evaluated: 2022-10-01. Review status: criteria provided, single submitter. Criteria: CeGaT Center For Human Genetics Tuebingen Variant Classification Criteria Version 2. Collection method: clinical testing. Allele origin: germline. Affected: yes. Observed: 1 variant allele.
Comment: CDC14A: BP4, BP7